The following is an entry in ClinVar:

ClinVar aggregate classification (germline): Uncertain significance (1 of 4 stars; one submission).

Conditions:
Dilated cardiomyopathy 1G (CMD1G). Identifiers: Orphanet 154, MedGen C1858763, MONDO:0011400, OMIM 604145.
Autosomal recessive limb-girdle muscular dystrophy type 2J (LGMDR10). Also called: Limb-girdle muscular dystrophy, type 2J; MUSCULAR DYSTROPHY, LIMB-GIRDLE, AUTOSOMAL RECESSIVE 10. Identifiers: Orphanet 140922, MedGen C1837342, MONDO:0012127, OMIM 608807.

Submission:

Labcorp Genetics (formerly Invitae), Labcorp
Classification: Uncertain significance for Dilated cardiomyopathy 1G; Autosomal recessive limb-girdle muscular dystrophy type 2J. Last evaluated: 2022-03-14. Review status: criteria provided, single submitter. Criteria: Invitae Variant Classification Sherloc (09022015). Collection method: clinical testing. Allele origin: germline.
Comment: This variant is located in the M band of TTN (PMID: 25589632). Variants in this region may be relevant for neuromuscular disorders, but have not been definitively shown to cause cardiomyopathy (PMID: 23975875). In summary, the available evidence is currently insufficient to determine the role of this variant in disease. Therefore, it has been classified as a Variant of Uncertain Significance. Experimental studies and prediction algorithms are not available or were not evaluated, and the functional significance of this variant is currently unknown. This variant has not been reported in the literature in individuals affected with TTN-related conditions. This variant is not present in population databases (gnomAD no frequency). This sequence change replaces proline, which is neutral and non-polar, with serine, which is neutral and polar, at codon 35266 of the TTN protein (p.Pro35266Ser).

Literature cited by the submitters: PubMed 25589632; PubMed 23975875.

NM_001267550.2(TTN):c.105796C>T (p.Pro35266Ser)

Genes: TTN-AS1 (TTN antisense RNA 1; plus strand), TTN (titin; minus strand), LOC129935183 (ATAC-STARR-seq lymphoblastoid active region 16808; plus strand). Cytogenetic location: 2q31.2.
Variant type: single nucleotide variant.
Coding change: c.105796C>T on transcript NM_001267550.2 (MANE Select); coding-DNA position 105796, C replaced by T.
Protein change: p.Pro35266Ser; replaces proline 35266 with serine.
Molecular consequence: missense variant.
Genome position (GRCh38, 1-based): chr2:178,530,819, G>A on the plus strand (C>T on the coding strand, the complement: TTN is on the minus strand). VCF-style: chr2-178530819-G-A. GRCh37 (hg19) VCF-style: chr2-179395546-G-A.
Other names: c.100873C>T, p.Pro33625Ser (NM_001256850.1); c.78601C>T, p.Pro26201Ser (NM_003319.4); c.98092C>T, p.Pro32698Ser (NM_133378.4); c.78976C>T, p.Pro26326Ser (NM_133432.3); c.79177C>T, p.Pro26393Ser (NM_133437.4); short protein forms P26201S, P26393S, P32698S, P33625S, P35266S, P26326S.
Identifiers: ClinVar variation 2087052 (VCV002087052.4), dbSNP rs2468384284, ClinGen allele CA349407739.